The following is an entry in ClinVar:

ClinVar aggregate classification (germline): Uncertain significance (1 of 4 stars; one submission).

Conditions:
Blepharophimosis - intellectual disability syndrome, SBBYS type (SBBYSS). Also called: Say-Barber-Biesecker-Young-Simpson syndrome; Say-Barber-Biesecker variant of Ohdo syndrome (SBBYSS); Say-Barber-Biesecker-Young-Simpson variant of Ohdo Syndrome; Ohdo syndrome, SBBYS variant; Young Simpson syndrome; Mental retardation unusual facies hypothyroidism. Identifiers: Orphanet 3047, MedGen C1863557, MONDO:0011365, OMIM 603736.

Submission:

Juno Genomics, Hangzhou Juno Genomics, Inc
Classification: Uncertain significance for Blepharophimosis - intellectual disability syndrome, SBBYS type. Review status: criteria provided, single submitter. Criteria: ACMG Guidelines, 2015. Collection method: clinical testing. Allele origin: germline.
Comment: Null variant in a gene where loss of function (LOF) is a known mechanism of disease.;Absent from controls (or at extremely low frequency if recessive) in Genome Aggregation Database.

NM_012330.4(KAT6B):c.1520C>G (p.Ser507Ter)

Gene: KAT6B (lysine acetyltransferase 6B; plus strand). Cytogenetic location: 10q22.2.
Variant type: single nucleotide variant.
Coding change: c.1520C>G on transcript NM_012330.4 (MANE Select); coding-DNA position 1520, C replaced by G.
Protein change: p.Ser507Ter; replaces serine 507 with a stop codon.
Molecular consequence: nonsense. On other transcripts: intron variant (13).
Genome position (GRCh38, 1-based): chr10:74,975,857, C>G. VCF-style: chr10-74975857-C-G. GRCh37 (hg19) VCF-style: chr10-76735615-C-G.
Other names: c.1520C>G, p.Ser507Ter (NM_001370136.1, NM_001370137.1); c.1117+403C>G (NM_001370139.1, NM_001370140.1, NM_001370141.1 and 3 more transcripts); c.1444+76C>G (NM_001370138.1, NM_001256468.2); c.846+6082C>G (NM_001370133.1); c.193-3367C>G (NM_001370134.1); c.929-1459C>G (NM_001370143.1, NM_001370144.1); c.193-13162C>G (NM_001370135.1); short protein forms S507*.
Identifiers: ClinVar variation 5007739 (VCV005007739.2).